The following is an entry in ClinVar:

NM_153704.6(TMEM67):c.2764+294G>A

Gene: TMEM67 (transmembrane protein 67; plus strand). Cytogenetic location: 8q22.1.
Variant type: single nucleotide variant.
Coding change: c.2764+294G>A on transcript NM_153704.6 (MANE Select); 294 bases into the intron after coding-DNA position 2764, G replaced by A.
Molecular consequence: intron variant.
Genome position (GRCh38, 1-based): chr8:93,810,181, G>A. VCF-style: chr8-93810181-G-A. GRCh37 (hg19) VCF-style: chr8-94822409-G-A.
Other names: c.2521+294G>A (NM_001142301.1).
Identifiers: ClinVar variation 673885 (VCV000673885.1), dbSNP rs192741260, ClinGen allele CA181346417.

ClinVar aggregate classification (germline): Benign (1 of 4 stars; one submission).

Allele frequency attached by ClinVar (database versions not stated): gnomAD 0.01846 and 0.01981; 1000 Genomes Project 30x 0.02092; 1000 Genomes Project 0.02097; TOPMed 0.02098.
gnomAD v4.1: 2,759 of 150,434 alleles (1.8%); highest among the groups gnomAD compares: African/African-American, 6.1%; 83 homozygotes.

Submission:

GeneDx
Classification: Benign. Last evaluated: 2018-06-16. Review status: criteria provided, single submitter. Criteria: GeneDx Variant Classification (06012015). Collection method: clinical testing. Allele origin: germline. Affected: yes.
Comment: This variant is considered likely benign or benign based on one or more of the following criteria: it is a conservative change, it occurs at a poorly conserved position in the protein, it is predicted to be benign by multiple in silico algorithms, and/or has population frequency not consistent with disease.